The following is an entry in ClinVar:

NM_001191061.2(SLC25A22):c.652G>T (p.Ala218Ser)

Gene: SLC25A22 (solute carrier family 25 member 22; minus strand). Cytogenetic location: 11p15.5.
Variant type: single nucleotide variant.
Coding change: c.652G>T on transcript NM_001191061.2 (MANE Select); coding-DNA position 652, G replaced by T.
Protein change: p.Ala218Ser; replaces alanine 218 with serine.
Molecular consequence: missense variant.
Genome position (GRCh38, 1-based): chr11:792,394, C>A on the plus strand (G>T on the coding strand, the complement: SLC25A22 is on the minus strand). VCF-style: chr11-792394-C-A. GRCh37 (hg19) VCF-style: chr11-792394-C-A.
Other names: c.652G>T (NM_024698.5); c.652G>T, p.Ala218Ser (NM_001191060.2, NM_024698.6); short protein forms A218S.
Identifiers: ClinVar variation 1470070 (VCV001470070.6), dbSNP rs561163386, ClinGen allele CA5789107.

ClinVar aggregate classification (germline): Conflicting classifications of pathogenicity. Review status: criteria provided, conflicting classifications (1 of 4 stars). 2 submissions from 2 submitters: Uncertain significance (1); Likely benign (1). Last evaluated 2026-05-27.

Conditions:
Inborn genetic diseases. Identifiers: MedGen C0950123, MeSH D030342.
Developmental and epileptic encephalopathy. Identifiers: MedGen C5779964, MONDO:0100620.

Allele frequency attached by ClinVar (database versions not stated): ExAC 0.00002; 1000 Genomes Project 30x 0.00016; gnomAD exomes below 0.00001 and 0.00002; gnomAD 0.00001; TOPMed 0.00001; 1000 Genomes Project 0.00020.
gnomAD v4.1: 6 of 1,613,380 alleles (0.00037%); highest among the groups gnomAD compares: African/African-American, 0.0067%; no homozygotes.

Submissions (2):

Ambry Genetics
Classification: Likely benign for Inborn genetic diseases. Last evaluated: 2026-05-27. Review status: criteria provided, single submitter. Criteria: Ambry Variant Classification Scheme 2023. Collection method: clinical testing. Allele origin: germline.

Labcorp Genetics (formerly Invitae), Labcorp
Classification: Uncertain significance for Early-infantile DEE. Last evaluated: 2023-08-10. Review status: criteria provided, single submitter. Criteria: Invitae Variant Classification Sherloc (09022015). Collection method: clinical testing. Allele origin: germline.
Comment: In summary, the available evidence is currently insufficient to determine the role of this variant in disease. Therefore, it has been classified as a Variant of Uncertain Significance. Advanced modeling of protein sequence and biophysical properties (such as structural, functional, and spatial information, amino acid conservation, physicochemical variation, residue mobility, and thermodynamic stability) performed at Invitae indicates that this missense variant is not expected to disrupt SLC25A22 protein function. ClinVar contains an entry for this variant (Variation ID: 1470070). This variant has not been reported in the literature in individuals affected with SLC25A22-related conditions. This variant is present in population databases (rs561163386, gnomAD 0.02%). This sequence change replaces alanine, which is neutral and non-polar, with serine, which is neutral and polar, at codon 218 of the SLC25A22 protein (p.Ala218Ser).